The following is an entry in ClinVar:

NM_000321.3(RB1):c.2241G>A (p.Glu747=)

Gene: RB1 (RB transcriptional corepressor 1; plus strand). Cytogenetic location: 13q14.2.
Variant type: single nucleotide variant.
Coding change: c.2241G>A on transcript NM_000321.3 (MANE Select); coding-DNA position 2241, G replaced by A.
Protein change: p.Glu747=; no amino-acid change (glutamic acid 747 retained).
Molecular consequence: synonymous variant.
Genome position (GRCh38, 1-based): chr13:48,465,027, G>A. VCF-style: chr13-48465027-G-A. GRCh37 (hg19) VCF-style: chr13-49039163-G-A.
Identifiers: ClinVar variation 757939 (VCV000757939.25), dbSNP rs750057315, ClinGen allele CA483740082.

ClinVar aggregate classification (germline): Benign/Likely benign. Review status: criteria provided, multiple submitters, no conflicts (2 of 4 stars). 4 submissions from 4 submitters: Benign (1); Likely benign (3). Last evaluated 2026-06-25.

Conditions:
Hereditary cancer-predisposing syndrome. Also called: Hereditary Cancer Syndrome; Tumor predisposition; Hereditary neoplastic syndrome; Neoplastic Syndromes, Hereditary. Identifiers: Orphanet 140162, MedGen C0027672, MeSH D009386, MONDO:0015356.
Retinoblastoma (RB1). Also called: RETINOBLASTOMA, SOMATIC. Identifiers: Orphanet 790, MedGen C0035335, MeSH D012175, MONDO:0008380, OMIM 180200, HP:0009919. Disease mechanism: loss of function. Inheritance: Both sporadic and heritable forms are tested..

gnomAD v4.1: 2 of 1,590,738 alleles (0.00013%); highest among the groups gnomAD compares: Admixed American, 0.0017%; no homozygotes.

Submissions (4):

Myriad Genetics, Inc.
Classification: Benign for Retinoblastoma. Last evaluated: 2026-06-25. Review status: criteria provided, single submitter. Criteria: Myriad Autosomal Dominant, Autosomal Recessive and X-Linked Classification Criteria (2023). Collection method: clinical testing. Allele origin: unknown.
Comment: This variant is considered benign. This variant is a silent/synonymous amino acid change and it is not expected to impact splicing.

CeGaT Center for Human Genetics Tuebingen
Classification: Likely benign. Last evaluated: 2024-09-01. Review status: criteria provided, single submitter. Criteria: CeGaT Center For Human Genetics Tuebingen Variant Classification Criteria Version 2. Collection method: clinical testing. Allele origin: germline. Affected: yes. Observed: 1 variant allele.
Comment: RB1: BP4, BP7

Labcorp Genetics (formerly Invitae), Labcorp
Classification: Likely benign for Retinoblastoma. Last evaluated: 2024-09-01. Review status: criteria provided, single submitter. Criteria: Invitae Variant Classification Sherloc (09022015). Collection method: clinical testing. Allele origin: germline.

Ambry Genetics
Classification: Likely benign for Hereditary cancer-predisposing syndrome. Last evaluated: 2019-10-21. Review status: criteria provided, single submitter. Criteria: Ambry Variant Classification Scheme 2023. Collection method: clinical testing. Allele origin: germline.